The following is an entry in ClinVar:

ClinVar aggregate classification (germline): Uncertain significance. Review status: criteria provided, multiple submitters, no conflicts (2 of 4 stars). 4 submissions from 4 submitters: Uncertain significance (4). Last evaluated 2025-05-06.

Conditions:
Aortic aneurysm, familial thoracic 4 (AAT4). Also called: AORTIC ANEURYSM/AORTIC DISSECTION AND PATENT DUCTUS ARTERIOSUS. Identifiers: MedGen C1851504, MONDO:0007568, OMIM 132900.
Familial thoracic aortic aneurysm and aortic dissection (TAAD). Also called: Thoracic aortic aneurysms and dissections. Identifiers: Orphanet 91387, MedGen C4707243, MONDO:0019625.

Allele frequency attached by ClinVar (database versions not stated): gnomAD exomes below 0.00001 and 0.00002; gnomAD 0.00002 and 0.00005; ExAC 0.00003; TOPMed 0.00005; ESP Exome Variant Server 0.00008; 1000 Genomes Project 0.00020; 1000 Genomes Project 30x 0.00031.
gnomAD v4.1: 12 of 1,605,198 alleles (0.00075%); highest among the groups gnomAD compares: African/African-American, 0.011%; no homozygotes.

Submissions (4):

Labcorp Genetics (formerly Invitae), Labcorp
Classification: Uncertain significance for Aortic aneurysm, familial thoracic 4. Last evaluated: 2025-05-06. Review status: criteria provided, single submitter. Criteria: Invitae Variant Classification Sherloc (09022015). Collection method: clinical testing. Allele origin: germline.
Comment: This sequence change falls in intron 38 of the MYH11 gene. It does not directly change the encoded amino acid sequence of the MYH11 protein. It affects a nucleotide within the consensus splice site. This variant is present in population databases (rs370866058, gnomAD 0.02%). This variant has not been reported in the literature in individuals affected with MYH11-related conditions. ClinVar contains an entry for this variant (Variation ID: 519931). Variants that disrupt the consensus splice site are a relatively common cause of aberrant splicing (PMID: 17576681, 9536098). Algorithms developed to predict the effect of sequence changes on RNA splicing suggest that this variant may disrupt the consensus splice site. In summary, the available evidence is currently insufficient to determine the role of this variant in disease. Therefore, it has been classified as a Variant of Uncertain Significance.

Color Diagnostics, LLC DBA Color Health
Classification: Uncertain significance for Familial thoracic aortic aneurysm and aortic dissection. Last evaluated: 2024-07-31. Review status: criteria provided, single submitter. Criteria: ACMG Guidelines, 2015. Collection method: clinical testing. Allele origin: germline.
Comment: This variant causes a C to G nucleotide substitution at the -3 position of intron 38 of the MYH11 gene. Splice site prediction tools predict that this variant may have a significant impact on RNA splicing. To our knowledge, functional studies have not been reported for this variant. This variant has not been reported in individuals affected with MYH11-related disorders in the literature. This variant has been identified in 6/274700 chromosomes in the general population by the Genome Aggregation Database (gnomAD). The available evidence is insufficient to determine the role of this variant in disease conclusively. Therefore, this variant is classified as a Variant of Uncertain Significance.

Women's Health and Genetics/Laboratory Corporation of America, LabCorp
Classification: Uncertain significance. Last evaluated: 2024-06-24. Review status: criteria provided, single submitter. Criteria: LabCorp Variant Classification Summary - May 2015. Collection method: clinical testing. Allele origin: germline.

Ambry Genetics
Classification: Uncertain significance for Familial thoracic aortic aneurysm and aortic dissection. Last evaluated: 2018-04-24. Review status: criteria provided, single submitter. Criteria: Ambry Variant Classification Scheme 2023. Collection method: clinical testing. Allele origin: germline.
Comment: The c.5296-3C>G intronic variant results from a C to G substitution 3 nucleotides upstream from coding exon 37 in the MYH11 gene. This nucleotide position is well conserved in available vertebrate species. Using the BDGP and ESEfinder splice site prediction tools, this alteration is predicted to abolish the native splice acceptor site; however, direct evidence is unavailable. Since supporting evidence is limited at this time, the clinical significance of this alteration remains unclear.

Literature cited by the submitters: PubMed 17576681 (cited by Labcorp Genetics (formerly Invitae), Labcorp); PubMed 9536098 (cited by Labcorp Genetics (formerly Invitae), Labcorp).

NM_002474.3(MYH11):c.5296-3C>G

Genes: MYH11 (myosin heavy chain 11; minus strand), NDE1 (nudE neurodevelopment protein 1; plus strand). Cytogenetic location: 16p13.11.
Variant type: single nucleotide variant.
Coding change: c.5296-3C>G on transcript NM_002474.3 (MANE Select); 3 bases into the intron before coding-DNA position 5296, C replaced by G.
Molecular consequence: intron variant.
Genome position (GRCh38, 1-based): chr16:15,717,351, G>C on the plus strand (C>G on the coding strand, the complement: MYH11 is on the minus strand). VCF-style: chr16-15717351-G-C. GRCh37 (hg19) VCF-style: chr16-15811208-G-C.
Other names: c.948-6840G>C (NM_001143979.2, NM_017668.3); c.5296-3C>G (NM_022844.3); c.5317-3C>G (NM_001040114.2, NM_001040113.2).
Identifiers: ClinVar variation 519931 (VCV000519931.21), dbSNP rs370866058, ClinGen allele CA7921309.